The following is an entry in ClinVar:

NM_000426.4(LAMA2):c.6257_6267del (p.Pro2086fs)

Genes: LAMA2 (laminin subunit alpha 2; plus strand), LOC123864065 (Sharpr-MPRA regulatory region 661; plus strand). Cytogenetic location: 6q22.33.
Variant type: Deletion.
Coding change: c.6257_6267del on transcript NM_000426.4 (MANE Select); coding-DNA positions 6257 to 6267, 11 bases deleted (CTTCCAAGAAC).
Protein change: p.Pro2086fs; shifts the reading frame from proline 2086.
Molecular consequence: frameshift variant.
Genome position (GRCh38, 1-based): chr6:129,440,987-129,440,997, CTTCCAAGAAC deleted; deleting any 11 consecutive bases within chr6:129,440,986-129,440,997 gives the same sequence; the c. name uses the placement nearest the transcript's 3' end. VCF-style (leftmost placement, unchanged base first): chr6-129440985-TCCTTCCAAGAA-T. GRCh37 (hg19) VCF-style: chr6-129762130-TCCTTCCAAGAA-T.
Other names: c.6257_6267del, p.Pro2086fs (NM_001079823.2); short protein forms P2086fs.
Identifiers: ClinVar variation 2101496 (VCV002101496.4), dbSNP rs2533386156, ClinGen allele CA2580075065.

ClinVar aggregate classification (germline): Pathogenic (1 of 4 stars; one submission).

Conditions:
LAMA2-related muscular dystrophy (LAMA2-RD). Also called: Laminin alpha 2-related dystrophy. Identifiers: MedGen C5679788, MONDO:0100228.

Submission:

Labcorp Genetics (formerly Invitae), Labcorp
Classification: Pathogenic for LAMA2-related muscular dystrophy. Last evaluated: 2022-09-26. Review status: criteria provided, single submitter. Criteria: Invitae Variant Classification Sherloc (09022015). Collection method: clinical testing. Allele origin: germline.
Comment: This sequence change creates a premature translational stop signal (p.Pro2086Glnfs*18) in the LAMA2 gene. It is expected to result in an absent or disrupted protein product. Loss-of-function variants in LAMA2 are known to be pathogenic (PMID: 18700894, 32904964). This variant is not present in population databases (gnomAD no frequency). This variant has not been reported in the literature in individuals affected with LAMA2-related conditions. For these reasons, this variant has been classified as Pathogenic.

Literature cited by the submitters: PubMed 18700894; PubMed 32904964.